The following is an entry in ClinVar:

NC_000015.9:g.(?_38591564)_(38591758_?)del

Gene: SPRED1 (sprouty related EVH1 domain containing 1; plus strand). Cytogenetic location: 15q14.
Variant type: Deletion.
Identifiers: ClinVar variation 3243806 (VCV003243806.1).

ClinVar aggregate classification (germline): Pathogenic (1 of 4 stars; one submission).

Conditions:
Legius syndrome. Identifiers: Orphanet 137605, MedGen C1969623, MONDO:0012669, OMIM 611431. Disease mechanism: loss of function.

Submission:

Labcorp Genetics (formerly Invitae), Labcorp
Classification: Pathogenic for Legius syndrome. Last evaluated: 2023-10-24. Review status: criteria provided, single submitter. Criteria: Invitae Variant Classification Sherloc (09022015). Collection method: clinical testing. Allele origin: unknown.
Comment: This variant is a gross deletion of the genomic region encompassing exon(s) 2 of the SPRED1 gene. This deletion is out-of-frame, and is expected to create a premature termination codon and result in an absent or disrupted protein product. Loss-of-function variants in SPRED1 are known to be pathogenic (PMID: 17704776). A similar copy number variant has been observed in individual(s) with clinical features of Legius syndrome (Invitae). For these reasons, this variant has been classified as Pathogenic.

Literature cited by the submitters: PubMed 17704776.